The following is an entry in ClinVar:

NM_000142.5(FGFR3):c.1331C>G (p.Ser444Cys)

Gene: FGFR3 (fibroblast growth factor receptor 3; plus strand). Cytogenetic location: 4p16.3.
Variant type: single nucleotide variant.
Coding change: c.1331C>G on transcript NM_000142.5 (MANE Select); coding-DNA position 1331, C replaced by G.
Protein change: p.Ser444Cys; replaces serine 444 with cysteine.
Molecular consequence: missense variant. On other transcripts: non-coding transcript variant (1).
Genome position (GRCh38, 1-based): chr4:1,804,888, C>G. VCF-style: chr4-1804888-C-G. GRCh37 (hg19) VCF-style: chr4-1806615-C-G.
Other names: c.1337C>G, p.Ser446Cys (NM_001163213.2); c.1334C>G, p.Ser445Cys (NM_001354809.2, NM_001354810.2); c.995C>G, p.Ser332Cys (NM_022965.4); short protein forms S444C, S446C, S332C, S445C.
Identifiers: ClinVar variation 374826 (VCV000374826.2), dbSNP rs761325047, ClinGen allele CA16043902.

ClinVar aggregate classification (germline): Uncertain significance (1 of 4 stars; one submission).

Conditions:
Craniosynostosis, nonspecific.

Submission:

Genomic Diagnostic Laboratory, Division of Genomic Diagnostics, Children's Hospital of Philadelphia
Classification: Uncertain significance for Craniosynostosis, nonspecific. Last evaluated: 2016-10-20. Review status: criteria provided, single submitter. Criteria: DGD Variant Analysis Guidelines. Collection method: clinical testing. Allele origin: germline. Affected: yes. Observed: 1 variant allele.
Comment: Clinical Testing